The following is an entry in ClinVar:

NM_000321.3(RB1):c.1172C>T (p.Ser391Leu)

Gene: RB1 (RB transcriptional corepressor 1; plus strand). Cytogenetic location: 13q14.2.
Variant type: single nucleotide variant.
Coding change: c.1172C>T on transcript NM_000321.3 (MANE Select); coding-DNA position 1172, C replaced by T.
Protein change: p.Ser391Leu; replaces serine 391 with leucine.
Molecular consequence: missense variant.
Genome position (GRCh38, 1-based): chr13:48,373,449, C>T. VCF-style: chr13-48373449-C-T. GRCh37 (hg19) VCF-style: chr13-48947585-C-T.
Other names: c.1172C>T (NM_000321.2); short protein forms S391L.
Identifiers: ClinVar variation 1361034 (VCV001361034.9), dbSNP rs2138131143, ClinGen allele CA388161537.

ClinVar aggregate classification (germline): Uncertain significance. Review status: criteria provided, multiple submitters, no conflicts (2 of 4 stars). 2 submissions from 2 submitters: Uncertain significance (2). Last evaluated 2026-07-06.

Conditions:
Hereditary cancer-predisposing syndrome. Also called: Hereditary Cancer Syndrome; Neoplastic Syndromes, Hereditary; Hereditary neoplastic syndrome; Tumor predisposition. Identifiers: Orphanet 140162, MedGen C0027672, MeSH D009386, MONDO:0015356.
Retinoblastoma (RB1). Also called: RETINOBLASTOMA, SOMATIC. Identifiers: Orphanet 790, MedGen C0035335, MeSH D012175, MONDO:0008380, OMIM 180200, HP:0009919. Disease mechanism: loss of function. Inheritance: Both sporadic and heritable forms are tested..

Submissions (2):

Ambry Genetics
Classification: Uncertain significance for Hereditary cancer-predisposing syndrome. Last evaluated: 2026-07-06. Review status: criteria provided, single submitter. Criteria: Ambry Variant Classification Scheme 2023. Collection method: clinical testing. Allele origin: germline.
Comment: The p.S391L variant (also known as c.1172C>T), located in coding exon 12 of the RB1 gene, results from a C to T substitution at nucleotide position 1172. The serine at codon 391 is replaced by leucine, an amino acid with dissimilar properties. This amino acid position is conserved. In addition, the in silico prediction for this alteration is inconclusive. Based on the available evidence, the clinical significance of this variant remains unclear.

Labcorp Genetics (formerly Invitae), Labcorp
Classification: Uncertain significance for Retinoblastoma. Last evaluated: 2021-06-18. Review status: criteria provided, single submitter. Criteria: Invitae Variant Classification Sherloc (09022015). Collection method: clinical testing. Allele origin: germline.
Comment: This variant has not been reported in the literature in individuals with RB1-related conditions. This variant is not present in population databases (ExAC no frequency). This sequence change replaces serine with leucine at codon 391 of the RB1 protein (p.Ser391Leu). The serine residue is highly conserved and there is a large physicochemical difference between serine and leucine. Algorithms developed to predict the effect of missense changes on protein structure and function (SIFT, PolyPhen-2, Align-GVGD) all suggest that this variant is likely to be disruptive, but these predictions have not been confirmed by published functional studies and their clinical significance is uncertain. In summary, the available evidence is currently insufficient to determine the role of this variant in disease. Therefore, it has been classified as a Variant of Uncertain Significance.